The following is an entry in ClinVar:

ClinVar aggregate classification (germline): Benign (1 of 4 stars; one submission).

Conditions:
MELAS syndrome (MELAS). Also called: Juvenile myopathy, encephalopathy, lactic acidosis, stroke. Identifiers: Orphanet 550, MedGen C0162671, MONDO:0010789, OMIM 540000.

Submission:

Wong Mito Lab, Molecular and Human Genetics, Baylor College of Medicine
Classification: Benign for MELAS syndrome. Last evaluated: 2019-07-12. Review status: criteria provided, single submitter. Criteria: Modified ACMG Guidelines (Unpublished). Collection method: clinical testing. Allele origin: germline.
Comment: The NC_012920.1:m.5772G>A variant in MT-TC gene is interpreted to be a Benign variant based on the modified ACMG guidelines (unpublished). This variant meets the following evidence codes reported in the guidelines: BS1, BS2, BP6

Literature cited by the submitters: PubMed 31965079.

NC_012920.1(MT-TC):m.5772G>A

Gene: MT-TC (mitochondrially encoded tRNA cysteine; minus strand).
Variant type: single nucleotide variant.
Genome position: chrM-5772-G-A.
Identifiers: ClinVar variation 689981 (VCV000689981.1), dbSNP rs1556423031, ClinGen allele CA913180416.
Genomic context (GRCh38, chrMT:5,772, plus strand): 5'-TCAACTGGCTTCAATCTACTTCTCCCGCCGCCGGGAAAAAAGGCGGGAGAAGCCCCGGCA[G>A]GTTTGAAGCTGCTTCTTCGAATTTGCAATTCAATATGAAAATCACCTCGGAGCTGGTAAA-3'